The following is an entry in ClinVar:

NM_001042492.3(NF1):c.7458-29G>A

Gene: NF1 (neurofibromin 1; plus strand). Cytogenetic location: 17q11.2.
Variant type: single nucleotide variant.
Coding change: c.7458-29G>A on transcript NM_001042492.3 (MANE Select); 29 bases into the intron before coding-DNA position 7458, G replaced by A.
Molecular consequence: intron variant.
Genome position (GRCh38, 1-based): chr17:31,352,228, G>A. VCF-style: chr17-31352228-G-A. GRCh37 (hg19) VCF-style: chr17-29679246-G-A.
Other names: c.7395-29G>A (NM_000267.4).
Identifiers: ClinVar variation 257303 (VCV000257303.18), dbSNP rs964288, ClinGen allele CA8487592.

ClinVar aggregate classification (germline): Benign. Review status: criteria provided, multiple submitters, no conflicts (2 of 4 stars). 10 submissions from 9 submitters: Benign (8). 2 of the submissions do not count toward it. Last evaluated 2025-12-11.

Conditions:
Neurofibromatosis, familial spinal (FSNF). Identifiers: Orphanet 636, MedGen C1834235, MONDO:0008078, OMIM 162210. Disease mechanism: loss of function.
Neurofibromatosis, type 1 (NF1). Also called: NEUROFIBROMATOSIS, TYPE I, SOMATIC; Neurofibromatosis, type I; VON RECKLINGHAUSEN DISEASE; Peripheral type neurofibromatosis. Identifiers: Orphanet 636, MedGen C0027831, MONDO:0018975, OMIM 162200. Disease mechanism: loss of function.

Allele frequency attached by ClinVar (database versions not stated): 1000 Genomes Project 30x 0.42505; 1000 Genomes Project 0.43091; TOPMed 0.47784; gnomAD 0.49344; ESP Exome Variant Server 0.51338.
gnomAD v4.1: 932,445 of 1,604,790 alleles (58%); highest among the groups gnomAD compares: Middle Eastern, 64%; 278,373 homozygotes.

Submissions (10):

Women's Health and Genetics/Laboratory Corporation of America, LabCorp
Classification: Benign. Last evaluated: 2025-12-11. Review status: criteria provided, single submitter. Criteria: LabCorp Variant Classification Summary - May 2015. Collection method: clinical testing. Allele origin: germline.

KCCC/NGS Laboratory, Kuwait Cancer Control Center
Classification: Benign for Neurofibromatosis, type 1. Last evaluated: 2025-02-01. Review status: criteria provided, single submitter. Criteria: ACMG Guidelines, 2015. Collection method: clinical testing. Allele origin: germline. Affected: no.

KCCC/NGS Laboratory, Kuwait Cancer Control Center
Classification: Benign for Neurofibromatosis, familial spinal. Last evaluated: 2023-07-07. Review status: criteria provided, single submitter. Criteria: ACMG Guidelines, 2015. Collection method: clinical testing. Allele origin: germline. Affected: yes.

Genome-Nilou Lab
Classification: Benign for Neurofibromatosis, type 1. Last evaluated: 2021-09-05. Review status: criteria provided, single submitter. Criteria: ACMG Guidelines, 2015. Collection method: clinical testing. Allele origin: germline. Affected: no.

ARUP Laboratories, Molecular Genetics and Genomics, ARUP Laboratories
Classification: Benign. Last evaluated: 2018-07-10. Review status: criteria provided, single submitter. Criteria: ARUP Molecular Germline Variant Investigation Process. Collection method: clinical testing. Allele origin: germline.

GeneDx
Classification: Benign. Last evaluated: 2018-06-20. Review status: criteria provided, single submitter. Criteria: GeneDx Variant Classification (06012015). Collection method: clinical testing. Allele origin: germline. Affected: yes.
Comment: This variant is considered likely benign or benign based on one or more of the following criteria: it is a conservative change, it occurs at a poorly conserved position in the protein, it is predicted to be benign by multiple in silico algorithms, and/or has population frequency not consistent with disease.

Breakthrough Genomics
Classification: Benign. Review status: criteria provided, single submitter. Criteria: ACMG Guidelines, 2015. Collection method: not provided. Allele origin: germline. Inheritance: Autosomal dominant inheritance. Affected: yes.

PreventionGenetics, part of Exact Sciences
Classification: Benign. Review status: criteria provided, single submitter. Criteria: ACMG Guidelines, 2015. Collection method: clinical testing. Allele origin: germline.

Clinical Genetics DNA and cytogenetics Diagnostics Lab, Erasmus MC, Erasmus Medical Center
Classification: Benign. Review status: no assertion criteria provided. Collection method: clinical testing. Allele origin: germline. Affected: yes. Study: VKGL Data-share Consensus. Not counted in ClinVar's aggregate classification.

Joint Genome Diagnostic Labs from Nijmegen and Maastricht, Radboudumc and MUMC+
Classification: Benign. Review status: no assertion criteria provided. Collection method: clinical testing. Allele origin: germline. Affected: yes. Study: VKGL Data-share Consensus. Not counted in ClinVar's aggregate classification.

Literature cited by the submitters: PubMed 10678181 (cited by Women's Health and Genetics/Laboratory Corporation of America, LabCorp); PubMed 23460398 (cited by Women's Health and Genetics/Laboratory Corporation of America, LabCorp); PubMed 27069254 (cited by Women's Health and Genetics/Laboratory Corporation of America, LabCorp).